The following is an entry in ClinVar:

NM_001943.5(DSG2):c.3038A>C (p.Tyr1013Ser)

Genes: DSG2-AS1 (DSG2 antisense RNA 1; minus strand), DSG2 (desmoglein 2; plus strand). Cytogenetic location: 18q12.1.
Variant type: single nucleotide variant.
Coding change: c.3038A>C on transcript NM_001943.5 (MANE Select); coding-DNA position 3038, A replaced by C.
Protein change: p.Tyr1013Ser; replaces tyrosine 1013 with serine.
Molecular consequence: missense variant.
Genome position (GRCh38, 1-based): chr18:31,546,424, A>C. VCF-style: chr18-31546424-A-C. GRCh37 (hg19) VCF-style: chr18-29126387-A-C.
Other names: short protein forms Y1013S.
Identifiers: ClinVar variation 2153154 (VCV002153154.4), dbSNP rs1223549416, ClinGen allele CA402147958.

ClinVar aggregate classification (germline): Uncertain significance. Review status: criteria provided, multiple submitters, no conflicts (2 of 4 stars). 2 submissions from 2 submitters: Uncertain significance (2). Last evaluated 2023-11-01.

Conditions:
Cardiomyopathy (CMYO). Also called: Cardiomyopathies. Identifiers: Orphanet 167848, MedGen C0878544, MONDO:0004994, HP:0001638. Inheritance: Various modes of inheritance.
Arrhythmogenic right ventricular dysplasia 10. Also called: Arrhythmogenic right ventricular dysplasia/cardiomyopathy, type 10; Arrhythmogenic Right Ventricular Dysplasia/Cardiomyopathy10; ARRHYTHMOGENIC RIGHT VENTRICULAR DYSPLASIA, FAMILIAL, 10. Identifiers: MedGen C1857777, MONDO:0012434, OMIM 610193.

Allele frequency attached by ClinVar (database versions not stated): gnomAD exomes below 0.00001.
gnomAD v4.1: 6 of 1,614,208 alleles (0.00037%); highest among the groups gnomAD compares: Non-Finnish European, 0.00051%; no homozygotes.

Submissions (2):

Color Diagnostics, LLC DBA Color Health
Classification: Uncertain significance for Cardiomyopathy. Last evaluated: 2023-11-01. Review status: criteria provided, single submitter. Criteria: ACMG Guidelines, 2015. Collection method: clinical testing. Allele origin: germline.
Comment: This missense variant replaces tyrosine with serine at codon 1013 of the DSG2 protein. Computational prediction suggests that this variant may not impact protein structure and function. To our knowledge, functional studies have not been reported for this variant. This variant has not been reported in individuals affected with DSG2-related disorders in the literature. This variant has been identified in 1/249394 chromosomes in the general population by the Genome Aggregation Database (gnomAD). The available evidence is insufficient to determine the role of this variant in disease conclusively. Therefore, this variant is classified as a Variant of Uncertain Significance.

Labcorp Genetics (formerly Invitae), Labcorp
Classification: Uncertain significance for Arrhythmogenic right ventricular dysplasia 10. Last evaluated: 2022-08-20. Review status: criteria provided, single submitter. Criteria: Invitae Variant Classification Sherloc (09022015). Collection method: clinical testing. Allele origin: germline.
Comment: In summary, the available evidence is currently insufficient to determine the role of this variant in disease. Therefore, it has been classified as a Variant of Uncertain Significance. Algorithms developed to predict the effect of missense changes on protein structure and function are either unavailable or do not agree on the potential impact of this missense change (SIFT: "Deleterious"; PolyPhen-2: "Probably Damaging"; Align-GVGD: "Class C0"). This variant has not been reported in the literature in individuals affected with DSG2-related conditions. This variant is present in population databases (no rsID available, gnomAD 0.0009%). This sequence change replaces tyrosine, which is neutral and polar, with serine, which is neutral and polar, at codon 1013 of the DSG2 protein (p.Tyr1013Ser).